The following is an entry in ClinVar:

ClinVar aggregate classification (germline): Uncertain significance (1 of 4 stars; one submission).

Allele frequency attached by ClinVar (database versions not stated): gnomAD exomes below 0.00001.
gnomAD v4.1: 1 of 1,614,146 alleles (0.000062%); highest among the groups gnomAD compares: Non-Finnish European, 0.000085%; no homozygotes.

Submission:

Labcorp Genetics (formerly Invitae), Labcorp
Classification: Uncertain significance. Last evaluated: 2022-05-15. Review status: criteria provided, single submitter. Criteria: Invitae Variant Classification Sherloc (09022015). Collection method: clinical testing. Allele origin: germline.
Comment: In summary, the available evidence is currently insufficient to determine the role of this variant in disease. Therefore, it has been classified as a Variant of Uncertain Significance. Algorithms developed to predict the effect of missense changes on protein structure and function (SIFT, PolyPhen-2, Align-GVGD) all suggest that this variant is likely to be disruptive. This variant has not been reported in the literature in individuals affected with PHYH-related conditions. This variant is not present in population databases (gnomAD no frequency). This sequence change replaces leucine, which is neutral and non-polar, with proline, which is neutral and non-polar, at codon 262 of the PHYH protein (p.Leu262Pro).

NM_006214.4(PHYH):c.785T>C (p.Leu262Pro)

Gene: PHYH (phytanoyl-CoA 2-hydroxylase; minus strand). Cytogenetic location: 10p13.
Variant type: single nucleotide variant.
Coding change: c.785T>C on transcript NM_006214.4 (MANE Select); coding-DNA position 785, T replaced by C.
Protein change: p.Leu262Pro; replaces leucine 262 with proline.
Molecular consequence: missense variant.
Genome position (GRCh38, 1-based): chr10:13,283,733, A>G on the plus strand (T>C on the coding strand, the complement: PHYH is on the minus strand). VCF-style: chr10-13283733-A-G. GRCh37 (hg19) VCF-style: chr10-13325733-A-G.
Other names: c.485T>C, p.Leu162Pro (NM_001037537.2, NM_001323080.2); c.791T>C, p.Leu264Pro (NM_001323082.2); c.521T>C, p.Leu174Pro (NM_001323083.2); c.491T>C, p.Leu164Pro (NM_001323084.2); short protein forms L162P, L164P, L262P, L264P, L174P.
Identifiers: ClinVar variation 2166417 (VCV002166417.4), dbSNP rs2538634854, ClinGen allele CA376034130.